The following is an entry in ClinVar:

NM_002691.4(POLD1):c.2932C>G (p.Arg978Gly)

Gene: POLD1 (DNA polymerase delta 1, catalytic subunit; plus strand). Cytogenetic location: 19q13.33.
Variant type: single nucleotide variant.
Coding change: c.2932C>G on transcript NM_002691.4 (MANE Select); coding-DNA position 2932, C replaced by G.
Protein change: p.Arg978Gly; replaces arginine 978 with glycine.
Molecular consequence: missense variant. On other transcripts: non-coding transcript variant (1).
Genome position (GRCh38, 1-based): chr19:50,416,507, C>G. VCF-style: chr19-50416507-C-G. GRCh37 (hg19) VCF-style: chr19-50919764-C-G.
Other names: c.2932C>G (NM_002691.2); c.2932C>G, p.Arg978Gly (NM_001256849.1); c.3010C>G, p.Arg1004Gly (NM_001308632.1); short protein forms R1004G, R978G.
Identifiers: ClinVar variation 860127 (VCV000860127.9), dbSNP rs758407212, ClinGen allele CA406986640.
Genomic context (GRCh38, chr19:50,416,507, plus strand): 5'-CTGGAGCAGCAGCTGGCCAAGCCCCTCCTGCGCATCTTCGAGCCCATCCTGGGCGAGGGC[C>G]GTGCCGAGGCTGTGCTACTGCGTACGGGGGCACCAGGGGACTGGGGGCACCCTGGGGGGG-3'
Protein context (NP_002682.2, residues 968-988): RIFEPILGEG[Arg978Gly]AEAVLLRGDH

ClinVar aggregate classification (germline): Conflicting classifications of pathogenicity. Review status: criteria provided, conflicting classifications (1 of 4 stars). 3 submissions from 3 submitters: Uncertain significance (2); Likely benign (1). Last evaluated 2025-08-20.

Conditions:
Hereditary cancer-predisposing syndrome. Also called: Tumor predisposition; Hereditary Cancer Syndrome; Hereditary neoplastic syndrome; Neoplastic Syndromes, Hereditary. Identifiers: Orphanet 140162, MedGen C0027672, MeSH D009386, MONDO:0015356.
POLD1-related polyposis and colorectal cancer syndrome (CRCS10). Also called: Colorectal cancer 10; COLORECTAL CANCER, SUSCEPTIBILITY TO, ON CHROMOSOME 19q; Colorectal cancer, susceptibility to, 10. Identifiers: Orphanet 220460, MedGen C2675481, MONDO:0012953, OMIM 612591.

gnomAD v4.1: 7 of 1,552,530 alleles (0.00045%); highest among the groups gnomAD compares: Admixed American, 0.0019%; no homozygotes.

Submissions (3):

Labcorp Genetics (formerly Invitae), Labcorp
Classification: Uncertain significance for POLD1-related polyposis and colorectal cancer syndrome. Last evaluated: 2025-08-20. Review status: criteria provided, single submitter. Criteria: Invitae Variant Classification Sherloc (09022015). Collection method: clinical testing. Allele origin: germline.
Comment: This sequence change replaces arginine, which is basic and polar, with glycine, which is neutral and non-polar, at codon 978 of the POLD1 protein (p.Arg978Gly). The frequency data for this variant in the population databases is considered unreliable, as metrics indicate poor data quality at this position in the gnomAD database. This variant has not been reported in the literature in individuals affected with POLD1-related conditions. ClinVar contains an entry for this variant (Variation ID: 860127). An algorithm developed to predict the effect of missense changes on protein structure and function (PolyPhen-2) suggests that this variant is likely to be tolerated. In summary, the available evidence is currently insufficient to determine the role of this variant in disease. Therefore, it has been classified as a Variant of Uncertain Significance.

Ambry Genetics
Classification: Likely benign for Hereditary cancer-predisposing syndrome. Last evaluated: 2025-06-09. Review status: criteria provided, single submitter. Criteria: Ambry Variant Classification Scheme 2023. Collection method: clinical testing. Allele origin: germline.

GeneDx
Classification: Uncertain significance. Last evaluated: 2022-12-29. Review status: criteria provided, single submitter. Criteria: GeneDx Variant Classification Process June 2021. Collection method: clinical testing. Allele origin: germline. Affected: yes.
Comment: Not observed at significant frequency in large population cohorts (gnomAD); In silico analysis supports that this missense variant has a deleterious effect on protein structure/function; Has not been previously published as pathogenic or benign to our knowledge